The following is an entry in ClinVar:

ClinVar aggregate classification (germline): Conflicting classifications of pathogenicity. Review status: criteria provided, conflicting classifications (1 of 4 stars). 13 submissions from 9 submitters: Uncertain significance (4); Likely benign (8). 1 of the submissions does not count toward it. Last evaluated 2026-01-06.

Conditions:
TTN-related disorder. Also called: TTN-related condition; TTN-related disease; TTN-related disorders.
Cardiovascular phenotype. Identifiers: MedGen CN230736.
Dilated cardiomyopathy 1G (CMD1G). Identifiers: Orphanet 154, MedGen C1858763, MONDO:0011400, OMIM 604145.
Autosomal recessive limb-girdle muscular dystrophy type 2J (LGMDR10). Also called: Limb-girdle muscular dystrophy, type 2J; MUSCULAR DYSTROPHY, LIMB-GIRDLE, AUTOSOMAL RECESSIVE 10. Identifiers: Orphanet 140922, MedGen C1837342, MONDO:0012127, OMIM 608807.
Early-onset myopathy with fatal cardiomyopathy (CMYO5). Also called: Salih Myopathy; CONGENITAL MYOPATHY 5 WITH CARDIOMYOPATHY. Identifiers: Orphanet 289377, MedGen C2673677, MONDO:0012714, OMIM 611705. Disease mechanism: loss of function.
Myopathy, myofibrillar, 9, with early respiratory failure (MFM9). Also called: MYOPATHY, PROXIMAL, WITH EARLY RESPIRATORY MUSCLE INVOLVEMENT; Hereditary myopathy with early respiratory failure; Myopathy, distal, with early respiratory failure, autosomal dominant; EDSTROM MYOPATHY. Identifiers: Orphanet 34521, MedGen C1863599, MONDO:0011362, OMIM 603689, Orphanet 178464.
Tibial muscular dystrophy (TMD). Also called: Udd Distal Myopathy – Tibial Muscular Dystrophy; UDD MYOPATHY; Tibial muscular dystrophy, tardive. Identifiers: Orphanet 609, MedGen C1838244, MONDO:0010870, OMIM 600334.

Allele frequency attached by ClinVar (database versions not stated): gnomAD exomes 0.00006; ESP Exome Variant Server 0.00008; TOPMed 0.00003; ExAC 0.00004; gnomAD 0.00004.
gnomAD v4.1: 95 of 1,595,482 alleles (0.006%); highest among the groups gnomAD compares: Non-Finnish European, 0.0078%; no homozygotes.

Submissions (13):

Labcorp Genetics (formerly Invitae), Labcorp
Classification: Likely benign for Dilated cardiomyopathy 1G; Autosomal recessive limb-girdle muscular dystrophy type 2J. Last evaluated: 2026-01-06. Review status: criteria provided, single submitter. Criteria: Invitae Variant Classification Sherloc (09022015). Collection method: clinical testing. Allele origin: germline.

Molecular Diagnostic Laboratory for Inherited Cardiovascular Disease, Montreal Heart Institute
Classification: Likely benign. Last evaluated: 2025-04-09. Review status: criteria provided, single submitter. Criteria: ACMG Guidelines, 2015. Collection method: clinical testing. Allele origin: germline. Affected: no.

Blueprint Genetics
Classification: Likely benign. Last evaluated: 2023-12-05. Review status: criteria provided, single submitter. Criteria: ACMG Guidelines, 2015. Collection method: clinical testing. Allele origin: germline.

Ambry Genetics
Classification: Likely benign for Cardiovascular phenotype. Last evaluated: 2019-07-08. Review status: criteria provided, single submitter. Criteria: Ambry Variant Classification Scheme 2023. Collection method: clinical testing. Allele origin: germline.

Illumina Laboratory Services, Illumina
Classification: Likely benign for Tibial muscular dystrophy. Last evaluated: 2018-01-13. Review status: criteria provided, single submitter. Criteria: ICSL Variant Classification Criteria 13 December 2019. Collection method: clinical testing. Allele origin: germline.
Comment: This variant was observed in the ICSL laboratory as part of a predisposition screen in an ostensibly healthy population. It had not been previously curated by ICSL or reported in the Human Gene Mutation Database (HGMD: prior to June 1st, 2018), and was therefore a candidate for classification through an automated scoring system. Utilizing variant allele frequency, disease prevalence and penetrance estimates, and inheritance mode, an automated score was calculated to assess if this variant is too frequent to cause the disease. Based on the score and internal cut-off values, a variant classified as likely benign is not then subjected to further curation. The score for this variant resulted in a classification of likely benign for this disease.

Illumina Laboratory Services, Illumina
Classification: Likely benign for Myopathy, myofibrillar, 9, with early respiratory failure. Last evaluated: 2018-01-13. Review status: criteria provided, single submitter. Criteria: ICSL Variant Classification Criteria 13 December 2019. Collection method: clinical testing. Allele origin: germline.
Comment: the same text as in the submission from Illumina Laboratory Services, Illumina above.

Illumina Laboratory Services, Illumina
Classification: Uncertain significance for Autosomal recessive limb-girdle muscular dystrophy type 2J. Last evaluated: 2018-01-13. Review status: criteria provided, single submitter. Criteria: ICSL Variant Classification Criteria 13 December 2019. Collection method: clinical testing. Allele origin: germline.

Illumina Laboratory Services, Illumina
Classification: Uncertain significance for Early-onset myopathy with fatal cardiomyopathy. Last evaluated: 2018-01-13. Review status: criteria provided, single submitter. Criteria: ICSL Variant Classification Criteria 13 December 2019. Collection method: clinical testing. Allele origin: germline.

Illumina Laboratory Services, Illumina
Classification: Uncertain significance for Dilated cardiomyopathy 1G. Last evaluated: 2018-01-13. Review status: criteria provided, single submitter. Criteria: ICSL Variant Classification Criteria 13 December 2019. Collection method: clinical testing. Allele origin: germline.

GeneDx
Classification: Likely benign. Last evaluated: 2017-09-18. Review status: criteria provided, single submitter. Criteria: GeneDx Variant Classification (06012015). Collection method: clinical testing. Allele origin: germline. Affected: yes.
Comment: This variant is considered likely benign or benign based on one or more of the following criteria: it is a conservative change, it occurs at a poorly conserved position in the protein, it is predicted to be benign by multiple in silico algorithms, and/or has population frequency not consistent with disease.

Eurofins Ntd Llc (ga)
Classification: Uncertain significance. Last evaluated: 2016-03-02. Review status: criteria provided, single submitter. Criteria: EGL Classification Definitions 2015. Collection method: clinical testing. Allele origin: germline. Observed: 2 variant alleles, 2 heterozygotes.

Laboratory for Molecular Medicine, Mass General Brigham Personalized Medicine
Classification: Likely benign. Last evaluated: 2012-03-19. Review status: criteria provided, single submitter. Criteria: LMM Criteria. Collection method: clinical testing. Allele origin: germline. Observed: 1 variant allele.
Comment: Arg23690Arg in exon 275 of TTN: This variant is not expected to have clinical si gnificance because it does not alter an amino acid residue, is not located withi n the splice consensus sequence. It has been identified in 1/6556 European Ameri can chromosomes from a broad population by the NHLBI Exome Sequencing Project. Arg23690Arg in exon 275 of TTN (allele freque ncy = 1/6556) **

PreventionGenetics, part of Exact Sciences
Classification: Likely benign for TTN-related condition. Last evaluated: 2019-04-04. Review status: no assertion criteria provided. Collection method: clinical testing. Allele origin: germline. Not counted in ClinVar's aggregate classification.
Comment: This variant is classified as likely benign based on ACMG/AMP sequence variant interpretation guidelines (Richards et al. 2015 PMID: 25741868, with internal and published modifications).

NM_001267550.2(TTN):c.78774A>G (p.Arg26258=)

Genes: TTN-AS1 (TTN antisense RNA 1; plus strand), TTN (titin; minus strand). Cytogenetic location: 2q31.2.
Variant type: single nucleotide variant.
Coding change: c.78774A>G on transcript NM_001267550.2 (MANE Select); coding-DNA position 78774, A replaced by G.
Protein change: p.Arg26258=; no amino-acid change (arginine 26258 retained).
Molecular consequence: synonymous variant.
Genome position (GRCh38, 1-based): chr2:178,567,358, T>C on the plus strand (A>G on the coding strand, the complement: TTN is on the minus strand). VCF-style: chr2-178567358-T-C. GRCh37 (hg19) VCF-style: chr2-179432085-T-C.
Other names: c.51579A>G, p.Arg17193= (NM_003319.4); c.51954A>G, p.Arg17318= (NM_133432.3); c.52155A>G, p.Arg17385= (NM_133437.4); c.71070A>G, p.Arg23690= (NM_133378.4); c.73851A>G, p.Arg24617= (NM_001256850.1).
Identifiers: ClinVar variation 178185 (VCV000178185.27), dbSNP rs368270588, ClinGen allele CA181703.
Genomic context (GRCh38, chr2:178,567,358, plus strand): 5'-TGGGAATGACTTAGAACCTGCAACATTGGAAGCTCTTAAAATATACTGCCCACCATCAAT[T>C]CTAATTGCATCTTTTACAATAAGTAAAGCCTTGAAATCTGTGTTCTTTATTTCACATCTA-3'
Protein context (NP_001254479.2, residues 26248-26268): KALLIVKDAI[Arg26258=]IDGGQYILRA